The following is an entry in ClinVar:

ClinVar aggregate classification (germline): Conflicting classifications of pathogenicity. Review status: criteria provided, conflicting classifications (1 of 4 stars). 2 submissions from 2 submitters: Uncertain significance (1); Likely benign (1). Last evaluated 2022-07-04.

Conditions:
Autosomal recessive limb-girdle muscular dystrophy type 2K. Also called: MUSCULAR DYSTROPHY-DYSTROGLYCANOPATHY (LIMB-GIRDLE), TYPE C, 1; MUSCULAR DYSTROPHY, LIMB-GIRDLE, TYPE 2K. Identifiers: Orphanet 86812, MedGen C1836373, MONDO:0012248, OMIM 609308.
Muscular dystrophy-dystroglycanopathy (congenital with impaired intellectual development), type B, 1. Also called: Muscular dystrophy-dystroglycanopathy (congenital with intellectual disability), type B1; MUSCULAR DYSTROPHY, CONGENITAL, POMT1-RELATED. Identifiers: MedGen C5436962, MONDO:0013159, OMIM 613155.
Walker-Warburg congenital muscular dystrophy. Also called: Muscular dystrophy-dystroglycanopathy, type A; Walker-Warburg syndrome. Identifiers: Orphanet 899, MedGen C0265221, MONDO:0000171.

Allele frequency attached by ClinVar (database versions not stated): gnomAD exomes below 0.00001; TOPMed below 0.00001; gnomAD 0.00001.
gnomAD v4.1: 5 of 1,613,664 alleles (0.00031%); highest among the groups gnomAD compares: East Asian, 0.0022%; no homozygotes.

Submissions (2):

Labcorp Genetics (formerly Invitae), Labcorp
Classification: Uncertain significance for Muscular dystrophy-dystroglycanopathy (congenital with impaired intellectual development), type B, 1; Walker-Warburg congenital muscular dystrophy; Autosomal recessive limb-girdle muscular dystrophy type 2K. Last evaluated: 2022-07-04. Review status: criteria provided, single submitter. Criteria: Invitae Variant Classification Sherloc (09022015). Collection method: clinical testing. Allele origin: germline.
Comment: This sequence change falls in intron 18 of the POMT1 gene. It does not directly change the encoded amino acid sequence of the POMT1 protein. It affects a nucleotide within the consensus splice site. This variant is present in population databases (no rsID available, gnomAD 0.003%). This variant has not been reported in the literature in individuals affected with POMT1-related conditions. ClinVar contains an entry for this variant (Variation ID: 511989). Variants that disrupt the consensus splice site are a relatively common cause of aberrant splicing (PMID: 17576681, 9536098). Algorithms developed to predict the effect of sequence changes on RNA splicing suggest that this variant may disrupt the consensus splice site. In summary, the available evidence is currently insufficient to determine the role of this variant in disease. Therefore, it has been classified as a Variant of Uncertain Significance.

GeneDx
Classification: Likely benign. Last evaluated: 2017-09-08. Review status: criteria provided, single submitter. Criteria: GeneDx Variant Classification (06012015). Collection method: clinical testing. Allele origin: germline. Affected: yes.
Comment: This variant is considered likely benign or benign based on one or more of the following criteria: it is a conservative change, it occurs at a poorly conserved position in the protein, it is predicted to be benign by multiple in silico algorithms, and/or has population frequency not consistent with disease.

Literature cited by the submitters: PubMed 17576681 (cited by Labcorp Genetics (formerly Invitae), Labcorp); PubMed 9536098 (cited by Labcorp Genetics (formerly Invitae), Labcorp).

NM_001077365.2(POMT1):c.1825+6T>C

Gene: POMT1 (protein O-mannosyltransferase 1; plus strand). Cytogenetic location: 9q34.13.
Variant type: single nucleotide variant.
Coding change: c.1825+6T>C on transcript NM_001077365.2 (MANE Select); 6 bases into the intron after coding-DNA position 1825, T replaced by C.
Molecular consequence: intron variant.
Genome position (GRCh38, 1-based): chr9:131,521,478, T>C. VCF-style: chr9-131521478-T-C. GRCh37 (hg19) VCF-style: chr9-134396865-T-C.
Other names: c.1729+6T>C (NM_001353198.2, NM_001353197.2); c.1891+6T>C (NM_001353193.2, NM_007171.4); c.1825+6T>C (NM_001136113.2); c.1663+6T>C (NM_001353194.2, NM_001077366.2); c.1474+6T>C (NM_001374691.1, NM_001353195.2, NM_001374692.1 and 2 more transcripts); c.1606+6T>C (NM_001374690.1); c.1735+6T>C (NM_001353196.2); c.1435+6T>C (NM_001374695.1); and 3 more.
Identifiers: ClinVar variation 511989 (VCV000511989.3), dbSNP rs1366898427, ClinGen allele CA590755029.